The following is an entry in ClinVar:

ClinVar aggregate classification (germline): Uncertain significance (1 of 4 stars; one submission).

Conditions:
Asphyxiating thoracic dystrophy 5 (SRTD5). Also called: SHORT-RIB THORACIC DYSPLASIA 5 WITH OR WITHOUT POLYDACTYLY; SHORT-RIB THORACIC DYSPLASIA 5 WITHOUT POLYDACTYLY. Identifiers: Orphanet 474, MedGen C3280598, MONDO:0013717, OMIM 614376.
Senior-Loken syndrome 8 (SLSN8). Identifiers: Orphanet 3156, MedGen C4225376, MONDO:0014579, OMIM 616307.

Submission:

Labcorp Genetics (formerly Invitae), Labcorp
Classification: Uncertain significance for Senior-Loken syndrome 8; Asphyxiating thoracic dystrophy 5. Last evaluated: 2023-07-17. Review status: criteria provided, single submitter. Criteria: Invitae Variant Classification Sherloc (09022015). Collection method: clinical testing. Allele origin: germline.
Comment: Algorithms developed to predict the effect of sequence changes on RNA splicing suggest that this variant may create or strengthen a splice site. Advanced modeling of protein sequence and biophysical properties (such as structural, functional, and spatial information, amino acid conservation, physicochemical variation, residue mobility, and thermodynamic stability) performed at Invitae indicates that this missense variant is not expected to disrupt WDR19 protein function. In summary, the available evidence is currently insufficient to determine the role of this variant in disease. Therefore, it has been classified as a Variant of Uncertain Significance. This sequence change replaces alanine, which is neutral and non-polar, with valine, which is neutral and non-polar, at codon 271 of the WDR19 protein (p.Ala271Val). This variant is not present in population databases (gnomAD no frequency). This variant has not been reported in the literature in individuals affected with WDR19-related conditions. ClinVar contains an entry for this variant (Variation ID: 1514580).

NM_025132.4(WDR19):c.812C>T (p.Ala271Val)

Gene: WDR19 (WD repeat domain 19; plus strand). Cytogenetic location: 4p14.
Variant type: single nucleotide variant.
Coding change: c.812C>T on transcript NM_025132.4 (MANE Select); coding-DNA position 812, C replaced by T.
Protein change: p.Ala271Val; replaces alanine 271 with valine.
Molecular consequence: missense variant.
Genome position (GRCh38, 1-based): chr4:39,205,658, C>T. VCF-style: chr4-39205658-C-T. GRCh37 (hg19) VCF-style: chr4-39207278-C-T.
Other names: c.332C>T, p.Ala111Val (NM_001317924.2); short protein forms A111V, A271V.
Identifiers: ClinVar variation 1514580 (VCV001514580.4), dbSNP rs981943939, ClinGen allele CA95686331.
Genomic context (GRCh38, chr4:39,205,658, plus strand): 5'-GTGGACATTTTGTGGTCATTTCTACTCATACTGGAGAGCTTGGTCAAGAGATATTTCAGG[C>T]TCGTAACCATAAAGATAATCTAACCAGCATTGCAGTATCACAGACTCTTAACAAAGTTGC-3'
Protein context (NP_079408.3, residues 261-281): TGELGQEIFQ[Ala271Val]RNHKDNLTSI